The following is an entry in ClinVar:

NM_006231.4(POLE):c.4445-1G>A

Gene: POLE (DNA polymerase epsilon, catalytic subunit; minus strand). Cytogenetic location: 12q24.33.
Variant type: single nucleotide variant.
Coding change: c.4445-1G>A on transcript NM_006231.4 (MANE Select); the canonical splice acceptor site of the intron before coding-DNA position 4445, G replaced by A.
Molecular consequence: splice acceptor variant.
Genome position (GRCh38, 1-based): chr12:132,643,331, C>T on the plus strand (G>A on the coding strand, the complement: POLE is on the minus strand). VCF-style: chr12-132643331-C-T. GRCh37 (hg19) VCF-style: chr12-133219917-C-T.
Identifiers: ClinVar variation 4724850 (VCV004724850.1).

ClinVar aggregate classification (germline): Likely pathogenic (1 of 4 stars; one submission).

Submission:

Labcorp Genetics (formerly Invitae), Labcorp
Classification: Likely pathogenic. Last evaluated: 2025-08-05. Review status: criteria provided, single submitter. Criteria: Invitae Variant Classification Sherloc (09022015). Collection method: clinical testing. Allele origin: germline.
Comment: This sequence change affects an acceptor splice site in intron 34 of the POLE gene. RNA analysis indicates that disruption of this splice site induces altered splicing and may result in an absent or altered protein product. This variant is not present in population databases (gnomAD no frequency). This variant has not been reported in the literature in individuals affected with POLE-related conditions. Studies have shown that disruption of this splice site results in activation of a cryptic splice site, and produces a non-functional protein and/or introduces a premature termination codon (internal data). In summary, the currently available evidence indicates that the variant is pathogenic, but additional data are needed to prove that conclusively. Therefore, this variant has been classified as Likely Pathogenic.